The following is an entry in ClinVar:

NM_017654.4(SAMD9):c.2523T>C (p.Pro841=)

Gene: SAMD9 (sterile alpha motif domain containing 9; minus strand). Cytogenetic location: 7q21.2.
Variant type: single nucleotide variant.
Coding change: c.2523T>C on transcript NM_017654.4 (MANE Select); coding-DNA position 2523, T replaced by C.
Protein change: p.Pro841=; no amino-acid change (proline 841 retained).
Molecular consequence: synonymous variant.
Genome position (GRCh38, 1-based): chr7:93,103,575, A>G on the plus strand (T>C on the coding strand, the complement: SAMD9 is on the minus strand). VCF-style: chr7-93103575-A-G. GRCh37 (hg19) VCF-style: chr7-92732888-A-G.
Other names: c.2523T>C (NM_017654.3); c.2523T>C, p.Pro841= (NM_001193307.2).
Identifiers: ClinVar variation 3001011 (VCV003001011.5), dbSNP rs370523354, ClinGen allele CA4342826.

ClinVar aggregate classification (germline): Conflicting classifications of pathogenicity. Review status: criteria provided, conflicting classifications (1 of 4 stars). 3 submissions from 3 submitters: Uncertain significance (1); Likely benign (2). Last evaluated 2025-05-26.

Conditions:
Inborn genetic diseases. Identifiers: MedGen C0950123, MeSH D030342.

Allele frequency attached by ClinVar (database versions not stated): TOPMed below 0.00001; gnomAD 0.00001; ExAC 0.00002; ESP Exome Variant Server 0.00008.
gnomAD v4.1: 1 of 1,613,080 alleles (0.000062%); highest among the groups gnomAD compares: Non-Finnish European, 0.000085%; no homozygotes.

Submissions (3):

Ambry Genetics
Classification: Likely benign for Inborn genetic diseases. Last evaluated: 2025-05-26. Review status: criteria provided, single submitter. Criteria: Ambry Variant Classification Scheme 2023. Collection method: clinical testing. Allele origin: germline.

GeneDx
Classification: Uncertain significance. Last evaluated: 2024-03-26. Review status: criteria provided, single submitter. Criteria: GeneDx Variant Classification Process June 2021. Collection method: clinical testing. Allele origin: germline. Affected: yes.
Comment: Not observed at significant frequency in large population cohorts (gnomAD); In silico analysis supports that this variant does not alter splicing; Has not been previously published as pathogenic or benign to our knowledge

Labcorp Genetics (formerly Invitae), Labcorp
Classification: Likely benign. Last evaluated: 2023-03-27. Review status: criteria provided, single submitter. Criteria: Invitae Variant Classification Sherloc (09022015). Collection method: clinical testing. Allele origin: germline.